The following is an entry in ClinVar:

NM_019066.5(MAGEL2):c.1188G>A (p.Trp396Ter)

Gene: MAGEL2 (MAGE family member L2; minus strand). Cytogenetic location: 15q11.2.
Variant type: single nucleotide variant.
Coding change: c.1188G>A on transcript NM_019066.5 (MANE Select); coding-DNA position 1188, G replaced by A.
Protein change: p.Trp396Ter; replaces tryptophan 396 with a stop codon.
Molecular consequence: nonsense.
Genome position (GRCh38, 1-based): chr15:23,646,555, C>T on the plus strand (G>A on the coding strand, the complement: MAGEL2 is on the minus strand). VCF-style: chr15-23646555-C-T. GRCh37 (hg19) VCF-style: chr15-23891702-C-T.
Other names: short protein forms W396*.
Identifiers: ClinVar variation 1028138 (VCV001028138.4), dbSNP rs1890410630, ClinGen allele CA391334985.
Genomic context (GRCh38, chr15:23,646,555, plus strand): 5'-GATGGGCGGGGGCCCCTGGCGCATGGGCGGCGGCACCTGCCAGGTAACGGCTGGTGCCTG[C>T]CAGGTGACCTGCGTGGTCTGCCAAGTCAGGGGAGTGGCCTGCCAGCCTTGCTGCGTGGCC-3'

ClinVar aggregate classification (germline): Conflicting classifications of pathogenicity. Review status: criteria provided, conflicting classifications (1 of 4 stars). 2 submissions from 2 submitters: Likely pathogenic (1); Uncertain significance (1). Last evaluated 2025-03-27.

Conditions:
Schaaf-Yang syndrome (SHFYNG). Also called: Arthrogryposis, distal, with hypopituitarism, intellectual disability, and facial anomalies; MAGEL2-related Prader-Willi-like syndrome. Identifiers: Orphanet 398069, MedGen C5575066, MONDO:0014243, OMIM 615547.
MAGEL2-related disorder. Also called: MAGEL2-related condition.

gnomAD v4.1: 6 of 1,474,154 alleles (0.00041%); highest among the groups gnomAD compares: African/African-American, 0.0014%; no homozygotes.

Submissions (2):

PreventionGenetics, part of Exact Sciences
Classification: Likely pathogenic for MAGEL2-related condition. Last evaluated: 2025-03-27. Review status: criteria provided, single submitter. Criteria: ACMG Guidelines, 2015. Collection method: clinical testing. Allele origin: germline.
Comment: The MAGEL2 c.1188G>A variant is predicted to result in premature protein termination (p.Trp396*). To our knowledge, this variant has not been reported in the literature or in a large population database (gnomAD), indicating this variant is rare. Nonsense variants in MAGEL2 are expected to be pathogenic. This variant is interpreted as likely pathogenic.

Baylor Genetics
Classification: Uncertain significance for Schaaf-Yang syndrome. Last evaluated: 2023-06-16. Review status: criteria provided, single submitter. Criteria: ACMG Guidelines, 2015. Collection method: clinical testing. Allele origin: unknown.